The following is an entry in ClinVar:

ClinVar aggregate classification (germline): Benign/Likely benign. Review status: criteria provided, multiple submitters, no conflicts (2 of 4 stars). 3 submissions from 3 submitters: Benign (1); Likely benign (2). Last evaluated 2025-07-21.

Conditions:
Prostate cancer, hereditary, 9 (HPC9). Identifiers: Orphanet 1331, MedGen C1970250, MONDO:0012597, OMIM 610997.
Hereditary cancer-predisposing syndrome. Also called: Hereditary Cancer Syndrome; Hereditary neoplastic syndrome; Tumor predisposition; Neoplastic Syndromes, Hereditary. Identifiers: Orphanet 140162, MedGen C0027672, MeSH D009386, MONDO:0015356.

Allele frequency attached by ClinVar (database versions not stated): gnomAD exomes below 0.00001; TOPMed below 0.00001.

Submissions (3):

Labcorp Genetics (formerly Invitae), Labcorp
Classification: Likely benign. Last evaluated: 2025-07-21. Review status: criteria provided, single submitter. Criteria: Invitae Variant Classification Sherloc (09022015). Collection method: clinical testing. Allele origin: germline.

Myriad Genetics, Inc.
Classification: Benign for Prostate cancer, hereditary, 9. Last evaluated: 2024-10-29. Review status: criteria provided, single submitter. Criteria: Myriad Autosomal Dominant, Autosomal Recessive and X-Linked Classification Criteria (2023). Collection method: clinical testing. Allele origin: unknown.
Comment: This variant is considered benign. This variant is a silent/synonymous amino acid change and it is not expected to impact splicing.

Ambry Genetics
Classification: Likely benign for Hereditary cancer-predisposing syndrome. Last evaluated: 2024-08-09. Review status: criteria provided, single submitter. Criteria: Ambry Variant Classification Scheme 2023. Collection method: clinical testing. Allele origin: germline.

NM_006361.6(HOXB13):c.363C>T (p.Pro121=)

Gene: HOXB13 (homeobox B13; minus strand). Cytogenetic location: 17q21.32.
Variant type: single nucleotide variant.
Coding change: c.363C>T on transcript NM_006361.6 (MANE Select); coding-DNA position 363, C replaced by T.
Protein change: p.Pro121=; no amino-acid change (proline 121 retained).
Molecular consequence: synonymous variant.
Genome position (GRCh38, 1-based): chr17:48,728,231, G>A on the plus strand (C>T on the coding strand, the complement: HOXB13 is on the minus strand). VCF-style: chr17-48728231-G-A. GRCh37 (hg19) VCF-style: chr17-46805593-G-A.
Other names: c.363C>T (NM_006361.5).
Identifiers: ClinVar variation 1082657 (VCV001082657.11), dbSNP rs1597934347, ClinGen allele CA500661850.